The following is an entry in ClinVar:

NM_203447.4(DOCK8):c.4703A>C (p.Glu1568Ala)

Gene: DOCK8 (dedicator of cytokinesis 8; plus strand). Cytogenetic location: 9p24.3.
Variant type: single nucleotide variant.
Coding change: c.4703A>C on transcript NM_203447.4 (MANE Select); coding-DNA position 4703, A replaced by C.
Protein change: p.Glu1568Ala; replaces glutamic acid 1568 with alanine.
Molecular consequence: missense variant.
Genome position (GRCh38, 1-based): chr9:432,242, A>C. VCF-style: chr9-432242-A-C. GRCh37 (hg19) VCF-style: chr9-432242-A-C.
Other names: c.4403A>C, p.Glu1468Ala (NM_001190458.2); c.4499A>C, p.Glu1500Ala (NM_001193536.2); short protein forms E1468A, E1500A, E1568A.
Identifiers: ClinVar variation 992525 (VCV000992525.2), dbSNP rs2056742806, ClinGen allele CA372766741.

ClinVar aggregate classification (germline): Uncertain significance (1 of 4 stars; one submission).

Conditions:
Combined immunodeficiency due to DOCK8 deficiency (HIES2). Also called: HYPER-IgE RECURRENT INFECTION SYNDROME 2, AUTOSOMAL RECESSIVE; HYPER-IgE SYNDROME 2, AUTOSOMAL RECESSIVE, WITH RECURRENT INFECTIONS; DOCK8 Deficiency; HIES autosomal recessive; Hyper-IgE recurrent infection syndrome, autosomal recessive. Identifiers: Orphanet 217390, MedGen C4722305, MONDO:0009478, OMIM 243700.

Submission:

Center for Genomics, Ann and Robert H. Lurie Children's Hospital of Chicago
Classification: Uncertain significance for Combined immunodeficiency due to DOCK8 deficiency. Last evaluated: 2021-03-30. Review status: criteria provided, single submitter. Criteria: ACMG Guidelines, 2015. Collection method: clinical testing. Allele origin: germline.
Comment: DOCK8 NM_203447.3 exon 37 p.Glu1568Ala (c.4703A>C):This variant has not been reported in the literature and is not present in large control databases. Evolutionary conservation suggests that this variant may impact the protein; computational predictive tools for this variant are unclear. In summary, data on this variant is insufficient for disease classification. Therefore, the clinical significance of this variant is uncertain.